The following is an entry in ClinVar:

NM_001256067.2(NOXA1):c.636C>T (p.Asp212=)

Gene: NOXA1 (NADPH oxidase activator 1; plus strand). Cytogenetic location: 9q34.3.
Variant type: single nucleotide variant.
Coding change: c.636C>T on transcript NM_001256067.2 (MANE Select); coding-DNA position 636, C replaced by T.
Protein change: p.Asp212=; no amino-acid change (aspartic acid 212 retained).
Molecular consequence: synonymous variant. On other transcripts: intron variant (1).
Genome position (GRCh38, 1-based): chr9:137,430,807, C>T. VCF-style: chr9-137430807-C-T. GRCh37 (hg19) VCF-style: chr9-140325259-C-T.
Other names: c.636C>T, p.Asp212= (NM_006647.2); c.505-268C>T (NM_001256068.2).
Identifiers: ClinVar variation 2659822 (VCV002659822.24), dbSNP rs142901709, ClinGen allele CA5368946.

ClinVar aggregate classification (germline): Likely benign (1 of 4 stars; one submission).

Allele frequency attached by ClinVar (database versions not stated): 1000 Genomes Project 0.00020; TOPMed 0.00030; 1000 Genomes Project 30x 0.00031; gnomAD exomes 0.00063; ESP Exome Variant Server 0.00078; gnomAD 0.00100; ExAC 0.00128.

Submission:

CeGaT Center for Human Genetics Tuebingen
Classification: Likely benign. Last evaluated: 2023-04-01. Review status: criteria provided, single submitter. Criteria: CeGaT Center For Human Genetics Tuebingen Variant Classification Criteria Version 2. Collection method: clinical testing. Allele origin: germline. Affected: yes. Observed: 1 variant allele.
Comment: NOXA1: BP4, BP7